The following is an entry in ClinVar:

ClinVar aggregate classification (germline): Likely benign. Review status: criteria provided, multiple submitters, no conflicts (2 of 4 stars). 2 submissions from 2 submitters: Likely benign (2). Last evaluated 2025-08-24.

Conditions:
Aortic aneurysm, familial thoracic 6 (AAT6). Also called: FAMILIAL THORACIC AORTIC ANEURYSM WITH LIVEDO RETICULARIS AND IRIS FLOCCULI. Identifiers: MedGen C2673186, MONDO:0012730, OMIM 611788.

Allele frequency attached by ClinVar (database versions not stated): gnomAD exomes 0.00001 and 0.00006; ExAC 0.00002; gnomAD 0.00006 and 0.00007; TOPMed 0.00006.

Submissions (2):

Labcorp Genetics (formerly Invitae), Labcorp
Classification: Likely benign for Aortic aneurysm, familial thoracic 6. Last evaluated: 2025-08-24. Review status: criteria provided, single submitter. Criteria: Invitae Variant Classification Sherloc (09022015). Collection method: clinical testing. Allele origin: germline.

GeneDx
Classification: Likely benign. Last evaluated: 2017-11-09. Review status: criteria provided, single submitter. Criteria: GeneDx Variant Classification (06012015). Collection method: clinical testing. Allele origin: germline. Affected: yes.
Comment: This variant is considered likely benign or benign based on one or more of the following criteria: it is a conservative change, it occurs at a poorly conserved position in the protein, it is predicted to be benign by multiple in silico algorithms, and/or has population frequency not consistent with disease.

NM_001613.4(ACTA2):c.259-17del

Gene: ACTA2 (actin alpha 2, smooth muscle; minus strand). Cytogenetic location: 10q23.31.
Variant type: Deletion.
Coding change: c.259-17del on transcript NM_001613.4 (MANE Select); 17 bases into the intron before coding-DNA position 259, one base deleted (G; older notation c.259-17delG).
Molecular consequence: intron variant.
Genome position (GRCh38, 1-based): chr10:88,943,924, C deleted on the plus strand (G on the coding strand, the reverse complement: ACTA2 is on the minus strand). VCF-style (leftmost placement, unchanged base first): chr10-88943923-AC-A. GRCh37 (hg19) VCF-style: chr10-90703680-AC-A.
Other names: c.130-17del (NM_001406467.1, NM_001406468.1, NM_001406469.1); c.259-17del (NM_001320855.2, NM_001406462.1, NM_001406471.1 and 3 more transcripts); c.259-2055del (NM_001406466.1).
Identifiers: ClinVar variation 513217 (VCV000513217.10), dbSNP rs757055278, ClinGen allele CA027189.